The following is an entry in ClinVar:

NM_001142864.4(PIEZO1):c.457C>T (p.Arg153Trp)

Gene: PIEZO1 (piezo type mechanosensitive ion channel component 1 (Er blood group); minus strand). Cytogenetic location: 16q24.3.
Variant type: single nucleotide variant.
Coding change: c.457C>T on transcript NM_001142864.4 (MANE Select); coding-DNA position 457, C replaced by T.
Protein change: p.Arg153Trp; replaces arginine 153 with tryptophan.
Molecular consequence: missense variant.
Genome position (GRCh38, 1-based): chr16:88,741,486, G>A on the plus strand (C>T on the coding strand, the complement: PIEZO1 is on the minus strand). VCF-style: chr16-88741486-G-A. GRCh37 (hg19) VCF-style: chr16-88807894-G-A.
Other names: p.Arg153Trp; short protein forms R153W.
Identifiers: ClinVar variation 2269046 (VCV002269046.4), dbSNP rs769998212, ClinGen allele CA8233274.

ClinVar aggregate classification (germline): Uncertain significance. Review status: criteria provided, multiple submitters, no conflicts (2 of 4 stars). 2 submissions from 2 submitters: Uncertain significance (2). Last evaluated 2025-10-07.

Conditions:
Inborn genetic diseases. Identifiers: MedGen C0950123, MeSH D030342.

Allele frequency attached by ClinVar (database versions not stated): TOPMed 0.00004; ExAC 0.00031; gnomAD 0.00003.
gnomAD v4.1: 96 of 1,534,928 alleles (0.0063%); highest among the groups gnomAD compares: South Asian, 0.019%; no homozygotes.

Submissions (2):

Mayo Clinic Laboratories, Mayo Clinic
Classification: Uncertain significance. Last evaluated: 2025-10-07. Review status: criteria provided, single submitter. Criteria: ACMG Guidelines, 2015. Collection method: clinical testing. Allele origin: germline. Observed: 1 variant allele.
Comment: BP4_moderate

Ambry Genetics
Classification: Uncertain significance for Inborn genetic diseases. Last evaluated: 2024-08-02. Review status: criteria provided, single submitter. Criteria: Ambry Variant Classification Scheme 2023. Collection method: clinical testing. Allele origin: germline.